The following is an entry in ClinVar:

ClinVar aggregate classification (germline): Uncertain significance. Review status: criteria provided, multiple submitters, no conflicts (2 of 4 stars). 3 submissions from 3 submitters: Uncertain significance (3). Last evaluated 2025-10-28.

Conditions:
Sitosterolemia (STSL). Also called: PHYTOSTEROLEMIA. Identifiers: Orphanet 2882, MedGen C0342907, MONDO:0008863.
Cardiovascular phenotype. Identifiers: MedGen CN230736.

Allele frequency attached by ClinVar (database versions not stated): TOPMed below 0.00001; ExAC 0.00001.
gnomAD v4.1: 1 of 1,614,212 alleles (0.000062%); highest among the groups gnomAD compares: Admixed American, 0.0017%; no homozygotes.

Submissions (3):

Mayo Clinic Laboratories, Mayo Clinic
Classification: Uncertain significance. Last evaluated: 2025-10-28. Review status: criteria provided, single submitter. Criteria: ACMG Guidelines, 2015. Collection method: clinical testing. Allele origin: germline. Observed: 1 variant allele.
Comment: BP4_moderate, PM2_supporting

Ambry Genetics
Classification: Uncertain significance for Cardiovascular phenotype. Last evaluated: 2024-07-11. Review status: criteria provided, single submitter. Criteria: Ambry Variant Classification Scheme 2023. Collection method: clinical testing. Allele origin: germline.
Comment: The p.M226V variant (also known as c.676A>G), located in coding exon 6 of the ABCG5 gene, results from an A to G substitution at nucleotide position 676. The methionine at codon 226 is replaced by valine, an amino acid with highly similar properties. This amino acid position is conserved. In addition, this alteration is predicted to be tolerated by in silico analysis. Based on the available evidence, the clinical significance of this variant remains unclear.

Labcorp Genetics (formerly Invitae), Labcorp
Classification: Uncertain significance for Sitosterolemia. Last evaluated: 2022-07-18. Review status: criteria provided, single submitter. Criteria: Invitae Variant Classification Sherloc (09022015). Collection method: clinical testing. Allele origin: germline.
Comment: In summary, the available evidence is currently insufficient to determine the role of this variant in disease. Therefore, it has been classified as a Variant of Uncertain Significance. This variant is present in population databases (rs747516136, gnomAD 0.003%). This variant has not been reported in the literature in individuals affected with ABCG5-related conditions. Algorithms developed to predict the effect of missense changes on protein structure and function output the following: SIFT: "Deleterious"; PolyPhen-2: "Benign"; Align-GVGD: "Class C0". The valine amino acid residue is found in multiple mammalian species, which suggests that this missense change does not adversely affect protein function. This sequence change replaces methionine, which is neutral and non-polar, with valine, which is neutral and non-polar, at codon 226 of the ABCG5 protein (p.Met226Val).

NM_022436.3(ABCG5):c.676A>G (p.Met226Val)

Genes: ABCG5 (ATP binding cassette subfamily G member 5; minus strand), DYNC2LI1 (dynein cytoplasmic 2 light intermediate chain 1; plus strand). Cytogenetic location: 2p21.
Variant type: single nucleotide variant.
Coding change: c.676A>G on transcript NM_022436.3 (MANE Select); coding-DNA position 676, A replaced by G.
Protein change: p.Met226Val; replaces methionine 226 with valine.
Molecular consequence: missense variant. On other transcripts: intron variant (2).
Genome position (GRCh38, 1-based): chr2:43,826,480, T>C on the plus strand (A>G on the coding strand, the complement: ABCG5 is on the minus strand). VCF-style: chr2-43826480-T-C. GRCh37 (hg19) VCF-style: chr2-44053619-T-C.
Other names: p.Met226Val; c.*16-906T>C (NM_001348913.2, NM_001348912.2); short protein forms M226V.
Identifiers: ClinVar variation 2139297 (VCV002139297.4), dbSNP rs747516136, ClinGen allele CA1636560.